The following is an entry in ClinVar:

NM_138691.3(TMC1):c.403G>A (p.Gly135Arg)

Gene: TMC1 (transmembrane channel like 1; plus strand). Cytogenetic location: 9q21.13.
Variant type: single nucleotide variant.
Coding change: c.403G>A on transcript NM_138691.3 (MANE Select); coding-DNA position 403, G replaced by A.
Protein change: p.Gly135Arg; replaces glycine 135 with arginine.
Molecular consequence: missense variant.
Genome position (GRCh38, 1-based): chr9:72,740,159, G>A. VCF-style: chr9-72740159-G-A. GRCh37 (hg19) VCF-style: chr9-75355075-G-A.
Other names: short protein forms G135R.
Identifiers: ClinVar variation 47872 (VCV000047872.5), dbSNP rs397517841, ClinGen allele CA142077.

ClinVar aggregate classification (germline): Uncertain significance (1 of 4 stars; one submission).

Allele frequency attached by ClinVar (database versions not stated): ExAC 0.00001; gnomAD exomes below 0.00001.

Submission:

Laboratory for Molecular Medicine, Mass General Brigham Personalized Medicine
Classification: Uncertain significance. Last evaluated: 2011-02-01. Review status: criteria provided, single submitter. Criteria: LMM Criteria. Collection method: clinical testing. Allele origin: germline. Observed: 1 variant allele.
Comment: Variant classified as Uncertain Significance - Favor Benign. The Gly135Arg varia nt in TMC1 has not been reported in the literature nor previously identified by our laboratory. This residue is conserved across mammals and birds and computati onal analyses (PolyPhen2, SIFT) suggest that the Gly135Arg variant may impact th e protein. However, this information is not predictive enough to assume pathogen icity. In summary, the clinical significance of this variant cannot be determine d with certainty at this time.